The following is an entry in ClinVar:

NM_006648.4(WNK2):c.34G>A (p.Gly12Ser)

Gene: WNK2 (WNK lysine deficient protein kinase 2; plus strand). Cytogenetic location: 9q22.31.
Variant type: single nucleotide variant.
Coding change: c.34G>A on transcript NM_006648.4 (MANE Select); coding-DNA position 34, G replaced by A.
Protein change: p.Gly12Ser; replaces glycine 12 with serine.
Molecular consequence: missense variant.
Genome position (GRCh38, 1-based): chr9:93,184,963, G>A. VCF-style: chr9-93184963-G-A. GRCh37 (hg19) VCF-style: chr9-95947245-G-A.
Other names: c.34G>A, p.Gly12Ser (NM_001282394.3); short protein forms G12S.
Identifiers: ClinVar variation 3816571 (VCV003816571.1).

ClinVar aggregate classification (germline): Uncertain significance (1 of 4 stars; one submission).

Submission:

Ambry Genetics
Classification: Uncertain significance. Last evaluated: 2024-12-20. Review status: criteria provided, single submitter. Criteria: Ambry Variant Classification Scheme 2023. Collection method: clinical testing. Allele origin: germline.
Comment: The p.G12S variant (also known as c.34G>A), located in coding exon 1 of the WNK2 gene, results from a G to A substitution at nucleotide position 34. The glycine at codon 12 is replaced by serine, an amino acid with similar properties. This amino acid position is conserved. In addition, this alteration is predicted to be tolerated by in silico analysis. Based on the available evidence, the clinical significance of this variant remains unclear.